The following is an entry in ClinVar:

ClinVar aggregate classification (germline): Uncertain significance (1 of 4 stars; one submission).

Conditions:
Cardiovascular phenotype. Identifiers: MedGen CN230736.

Submission:

Ambry Genetics
Classification: Uncertain significance for Cardiovascular phenotype. Last evaluated: 2020-08-03. Review status: criteria provided, single submitter. Criteria: Ambry Variant Classification Scheme 2023. Collection method: clinical testing. Allele origin: germline.
Comment: The c.73_74delCCinsG variant, located in coding exon 2 of the SCN2B gene, results from the deletion of two nucleotides and insertion of one nucleotide causing a translational frameshift with a predicted alternate stop codon (p.P25Dfs*34). This alteration is expected to result in premature protein truncation or nonsense-mediated mRNA decay. However, loss of function of SCN2B has not been clearly established as a mechanism of disease. Since supporting evidence is limited at this time, the clinical significance of this alteration remains unclear.

NM_004588.5(SCN2B):c.73_74delinsG (p.Pro25fs)

Gene: SCN2B (sodium voltage-gated channel beta subunit 2; minus strand). Cytogenetic location: 11q23.3.
Variant type: Indel.
Coding change: c.73_74delinsG on transcript NM_004588.5 (MANE Select); coding-DNA positions 73 to 74, CC replaced by G.
Protein change: p.Pro25fs; shifts the reading frame from proline 25.
Molecular consequence: frameshift variant.
Genome position (GRCh38, 1-based): chr11:118,168,748-118,168,749, GG replaced by C on the plus strand (CC replaced by G on the coding strand, the reverse complement: SCN2B is on the minus strand). VCF-style: chr11-118168748-GG-C. GRCh37 (hg19) VCF-style: chr11-118039463-GG-C.
Other names: short protein forms P25fs.
Identifiers: ClinVar variation 1758214 (VCV001758214.2), dbSNP rs1043620518, ClinGen allele CA2580083698.